The following is an entry in ClinVar:

NM_004655.4(AXIN2):c.1404CCA[9] (p.His474_Ser475insHisHisHis)

Gene: AXIN2 (axin 2; minus strand). Cytogenetic location: 17q24.1.
Variant type: Microsatellite.
Coding change: c.1404CCA[9] on transcript NM_004655.4 (MANE Select); nine copies in a row of the 3-base unit CCA starting at c.1404; the reference has six copies in a row; three copies, 9 bases duplicated.
Protein change: p.His474_Ser475insHisHisHis.
Molecular consequence: inframe insertion. On other transcripts: inframe indel (2).
Genome position (GRCh38, 1-based): chr17:65,537,615-65,537,623, TGGTGGTGG duplicated on the plus strand (CCACCACCA on the coding strand, the reverse complement: AXIN2 is on the minus strand); duplicating any 9 consecutive bases within chr17:65,537,615-65,537,633 gives the same sequence; the position shown is the placement nearest the transcript's 3' end. VCF-style (leftmost placement, unchanged base first): chr17-65537614-A-ATGGTGGTGG. GRCh37 (hg19) VCF-style: chr17-63533732-A-ATGGTGGTGG.
Other names: c.1404CCA[9], p.His474_Ser475insHisHisHis (NM_001363813.1); c.1403_1405ACC[9], p.His474_Ser475insHisHisHis (NM_004655.3); c.1413_1421dupCCACCACCA (NM_004655.3).
Identifiers: ClinVar variation 1772072 (VCV001772072.2), dbSNP rs570443161, ClinGen allele CA2270884227.

ClinVar aggregate classification (germline): Uncertain significance (1 of 4 stars; one submission).

Conditions:
Hereditary cancer-predisposing syndrome. Also called: Hereditary Cancer Syndrome; Hereditary neoplastic syndrome; Neoplastic Syndromes, Hereditary; Tumor predisposition. Identifiers: Orphanet 140162, MedGen C0027672, MeSH D009386, MONDO:0015356.

Submission:

Ambry Genetics
Classification: Uncertain significance for Hereditary cancer-predisposing syndrome. Last evaluated: 2024-01-11. Review status: criteria provided, single submitter. Criteria: Ambry Variant Classification Scheme 2023. Collection method: clinical testing. Allele origin: germline.
Comment: The c.1413_1421dupCCACCACCA variant (also known as p.H472_H474dup), located in coding exon 5 of the AXIN2 gene, results from an in-frame duplication of CCACCACCA at nucleotide positions 1413 to 1421. This results in the duplication of 3 extra residues (HHH) between codons 472 and 474. This amino acid region is not well conserved in available vertebrate species. In addition, this alteration is predicted to be neutral by in silico analysis (Choi Y et al. PLoS ONE. 2012; 7(10):e46688). Since supporting evidence is limited at this time, the clinical significance of this alteration remains unclear.